The following is an entry in ClinVar:

NM_006258.4(PRKG1):c.226C>A (p.Arg76=)

Gene: PRKG1 (protein kinase cGMP-dependent 1; plus strand). Cytogenetic location: 10q11.23.
Variant type: single nucleotide variant.
Coding change: c.226C>A on transcript NM_006258.4 (MANE Select); coding-DNA position 226, C replaced by A.
Protein change: p.Arg76=; no amino-acid change (arginine 76 retained).
Molecular consequence: synonymous variant. On other transcripts: intron variant (1).
Genome position (GRCh38, 1-based): chr10:51,074,816, C>A. VCF-style: chr10-51074816-C-A. GRCh37 (hg19) VCF-style: chr10-52834576-C-A.
Other names: c.267-78348C>A (NM_001098512.3).
Identifiers: ClinVar variation 681040 (VCV000681040.7), dbSNP rs919667557, ClinGen allele CA207067048.

ClinVar aggregate classification (germline): Likely benign. Review status: criteria provided, multiple submitters, no conflicts (2 of 4 stars). 3 submissions from 3 submitters: Likely benign (3). Last evaluated 2025-02-20.

Conditions:
Aortic aneurysm, familial thoracic 8 (AAT8). Identifiers: MedGen C3809513, MONDO:0014187, OMIM 615436.
Familial thoracic aortic aneurysm and aortic dissection (TAAD). Also called: Thoracic aortic aneurysms and dissections. Identifiers: Orphanet 91387, MedGen C4707243, MONDO:0019625.

Allele frequency attached by ClinVar (database versions not stated): gnomAD exomes 0.00001.
gnomAD v4.1: 13 of 1,613,714 alleles (0.00081%); highest among the groups gnomAD compares: South Asian, 0.012%; no homozygotes.

Submissions (3):

Labcorp Genetics (formerly Invitae), Labcorp
Classification: Likely benign for Aortic aneurysm, familial thoracic 8. Last evaluated: 2025-02-20. Review status: criteria provided, single submitter. Criteria: Invitae Variant Classification Sherloc (09022015). Collection method: clinical testing. Allele origin: germline.

Ambry Genetics
Classification: Likely benign for Familial thoracic aortic aneurysm and aortic dissection. Last evaluated: 2023-03-18. Review status: criteria provided, single submitter. Criteria: Ambry Variant Classification Scheme 2023. Collection method: clinical testing. Allele origin: germline.

GeneDx
Classification: Likely benign. Last evaluated: 2018-03-20. Review status: criteria provided, single submitter. Criteria: GeneDx Variant Classification (06012015). Collection method: clinical testing. Allele origin: germline. Affected: yes.
Comment: This variant is considered likely benign or benign based on one or more of the following criteria: it is a conservative change, it occurs at a poorly conserved position in the protein, it is predicted to be benign by multiple in silico algorithms, and/or has population frequency not consistent with disease.